The following is an entry in ClinVar:

NM_001370259.2(MEN1):c.1186-18C>T

Gene: MEN1 (menin 1; minus strand). Cytogenetic location: 11q13.1.
Variant type: single nucleotide variant.
Coding change: c.1186-18C>T on transcript NM_001370259.2 (MANE Select); 18 bases into the intron before coding-DNA position 1186, C replaced by T.
Molecular consequence: intron variant.
Genome position (GRCh38, 1-based): chr11:64,805,216, G>A on the plus strand (C>T on the coding strand, the complement: MEN1 is on the minus strand). VCF-style: chr11-64805216-G-A. GRCh37 (hg19) VCF-style: chr11-64572688-G-A.
Other names: c.1201-18C>T (NM_130804.3, NM_130803.3, NM_000244.4 and 4 more transcripts); c.1081-18C>T (NM_001407148.1, NM_001407149.1, NM_001370263.2 and 1 more transcripts); c.1186-18C>T (NM_130799.3, NM_001370260.2, NM_001407146.1 and 2 more transcripts); c.1312-18C>T (NM_001407144.1, NM_001370251.2, NM_001407142.1 and 1 more transcripts); c.1207-18C>T (NM_001407151.1); c.1186-400C>T (NM_001407152.1); c.1327-18C>T (NM_001407150.1).
Identifiers: ClinVar variation 3773378 (VCV003773378.1).

ClinVar aggregate classification (germline): Likely benign (1 of 4 stars; one submission).

Conditions:
Multiple endocrine neoplasia, type 1 (MEN1). Also called: MEN I; WERMER SYNDROME; Endocrine adenomatosis multiple; MEN 1; MEA I. Identifiers: Orphanet 652, MedGen C0025267, MeSH D018761, MONDO:0007540, OMIM 131100.

Submission:

Myriad Genetics, Inc.
Classification: Likely benign for Multiple endocrine neoplasia, type 1. Last evaluated: 2024-11-05. Review status: criteria provided, single submitter. Criteria: Myriad Autosomal Dominant, Autosomal Recessive and X-Linked Classification Criteria (2023). Collection method: clinical testing. Allele origin: unknown.
Comment: This variant is considered likely benign. This variant is intronic and is not expected to impact mRNA splicing.